The following is an entry in ClinVar:

NM_001035.3(RYR2):c.5761C>T (p.Arg1921Trp)

Gene: RYR2 (ryanodine receptor 2; plus strand). Cytogenetic location: 1q43.
Variant type: single nucleotide variant.
Coding change: c.5761C>T on transcript NM_001035.3 (MANE Select); coding-DNA position 5761, C replaced by T.
Protein change: p.Arg1921Trp; replaces arginine 1921 with tryptophan.
Molecular consequence: missense variant.
Genome position (GRCh38, 1-based): chr1:237,617,331, C>T. VCF-style: chr1-237617331-C-T. GRCh37 (hg19) VCF-style: chr1-237780631-C-T.
Other names: p.R1921W:CGG>TGG; c.5761C>T, p.Arg1921Trp (LRG_402t1); short protein forms R1921W.
Identifiers: ClinVar variation 201258 (VCV000201258.23), dbSNP rs760010432, ClinGen allele CA010015.
Genomic context (GRCh38, chr1:237,617,331, plus strand): 5'-TTAATGGTCTCTTAGATGTGCCTACTGCTTCAGTACCTCTGTGACTGCCAGGTCCGGCAC[C>T]GGATAGAAGCCATTGTAGCCTTTTCAGATGATTTTGTGGCTAAGCTCCAAGACAATCAAC-3'
Protein context (NP_001026.2, residues 1911-1931): QYLCDCQVRH[Arg1921Trp]IEAIVAFSDD

ClinVar aggregate classification (germline): Uncertain significance. Review status: criteria provided, multiple submitters, no conflicts (2 of 4 stars). 7 submissions from 7 submitters: Uncertain significance (7). Last evaluated 2025-08-25.

Conditions:
Arrhythmogenic right ventricular dysplasia 2. Identifiers: MedGen C1832931.
Catecholaminergic polymorphic ventricular tachycardia 1. Also called: RYR2-Related Catecholaminergic Polymorphic Ventricular Tachycardia; VENTRICULAR TACHYCARDIA, CATECHOLAMINERGIC POLYMORPHIC, 1, WITH OR WITHOUT ATRIAL DYSFUNCTION AND/OR DILATED CARDIOMYOPATHY; VENTRICULAR TACHYCARDIA, STRESS-INDUCED POLYMORPHIC 1. Identifiers: Orphanet 3286, MedGen C1631597, MONDO:0011484, OMIM 604772.
Ventricular arrhythmias due to cardiac ryanodine receptor calcium release deficiency syndrome. Also called: Autosomal dominant cardiac arrhythmia (Kuhn). Identifiers: MedGen C5542154, MONDO:0020745, OMIM 115000.
Cardiovascular phenotype. Identifiers: MedGen CN230736.
Cardiomyopathy (CMYO). Also called: Cardiomyopathies. Identifiers: Orphanet 167848, MedGen C0878544, MONDO:0004994, HP:0001638. Inheritance: Various modes of inheritance.
Catecholaminergic polymorphic ventricular tachycardia (CVPT). Also called: Catecholamine-induced polymorphic ventricular tachycardia. Identifiers: Orphanet 3286, MedGen C5574922, MONDO:0017990.

Allele frequency attached by ClinVar (database versions not stated): ExAC 0.00001; gnomAD exomes 0.00002; TOPMed 0.00002; gnomAD 0.00003.
gnomAD v4.1: 32 of 1,613,566 alleles (0.002%); highest among the groups gnomAD compares: South Asian, 0.0066%; no homozygotes.

Submissions (7):

Labcorp Genetics (formerly Invitae), Labcorp
Classification: Uncertain significance for Catecholaminergic polymorphic ventricular tachycardia 1. Last evaluated: 2025-08-25. Review status: criteria provided, single submitter. Criteria: Invitae Variant Classification Sherloc (09022015). Collection method: clinical testing. Allele origin: germline.
Comment: This sequence change replaces arginine, which is basic and polar, with tryptophan, which is neutral and slightly polar, at codon 1921 of the RYR2 protein (p.Arg1921Trp). This variant is present in population databases (rs760010432, gnomAD 0.01%). This variant has not been reported in the literature in individuals affected with RYR2-related conditions. ClinVar contains an entry for this variant (Variation ID: 201258). Invitae Evidence Modeling of protein sequence and biophysical properties (such as structural, functional, and spatial information, amino acid conservation, physicochemical variation, residue mobility, and thermodynamic stability) has been performed for this missense variant. However, the output from this modeling did not meet the statistical confidence thresholds required to predict the impact of this variant on RYR2 protein function. In summary, the available evidence is currently insufficient to determine the role of this variant in disease. Therefore, it has been classified as a Variant of Uncertain Significance.

All of Us Research Program, National Institutes of Health
Classification: Uncertain significance for Catecholaminergic polymorphic ventricular tachycardia. Last evaluated: 2024-05-30. Review status: criteria provided, single submitter. Criteria: ACMG Guidelines, 2015. Collection method: clinical testing. Allele origin: germline. Inheritance: Autosomal dominant inheritance. Observed: 7 variant alleles, 7 heterozygotes.
Comment: This missense variant replaces arginine with tryptophan at codon 1921 of the RYR2 protein. Computational prediction tools and conservation analyses suggest that this variant may have deleterious impact on the protein function. Computational splicing tools suggest that this variant may not impact RNA splicing. To our knowledge, functional assays have not been performed for this variant nor has this variant been reported in individuals affected with cardiovascular disorders in the literature. This variant has been identified in 6/248424 chromosomes in the general population by the Genome Aggregation Database (gnomAD). Available evidence is insufficient to determine the role of this variant in disease conclusively. Therefore, this variant is classified as a Variant of Uncertain Significance.

This study involves interpretation of variants in research participants for the purpose of population health screening. Participant phenotype was not available at the time of variant classification. Additional details can be found in publication PMID: 35346344, PMCID: PMC8962531

Color Diagnostics, LLC DBA Color Health
Classification: Uncertain significance for Cardiomyopathy. Last evaluated: 2024-05-15. Review status: criteria provided, single submitter. Criteria: ACMG Guidelines, 2015. Collection method: clinical testing. Allele origin: germline.
Comment: This missense variant replaces arginine with tryptophan at codon 1921 of the RYR2 protein. Computational prediction is inconclusive regarding the impact of this variant on protein structure and function (internally defined REVEL score threshold 0.5 < inconclusive < 0.7, PMID: 27666373). To our knowledge, functional studies have not been reported for this variant. This variant has not been reported in individuals affected with RYR2-related disorders in the literature. This variant has been identified in 6/248424 chromosomes in the general population by the Genome Aggregation Database (gnomAD). The available evidence is insufficient to determine the role of this variant in disease conclusively. Therefore, this variant is classified as a Variant of Uncertain Significance.

Ambry Genetics
Classification: Uncertain significance for Cardiovascular phenotype. Last evaluated: 2022-12-22. Review status: criteria provided, single submitter. Criteria: Ambry Variant Classification Scheme 2023. Collection method: clinical testing. Allele origin: germline.
Comment: The p.R1921W variant (also known as c.5761C>T), located in coding exon 38 of the RYR2 gene, results from a C to T substitution at nucleotide position 5761. The arginine at codon 1921 is replaced by tryptophan, an amino acid with dissimilar properties. This alteration has been seen in an exome cohort, but cardiovascular history was not provided (Landstrom AP et al. Circ Arrhythm Electrophysiol, 2017 Apr;10:[ePub ahead of print]). Additionally, this alteration was detected in a catecholaminergic polymorphic ventricular tachycardia (CPVT) genetic testing cohort; however, clinical details were limited (Kapplinger JD et al. Circ Genom Precis Med, 2018 Feb;11:e001424). This amino acid position is highly conserved in available vertebrate species. In addition, the in silico prediction for this alteration is inconclusive. Since supporting evidence is limited at this time, the clinical significance of this alteration remains unclear.

Fulgent Genetics
Classification: Uncertain significance for Ventricular arrhythmias due to cardiac ryanodine receptor calcium release deficiency syndrome; Catecholaminergic polymorphic ventricular tachycardia 1. Last evaluated: 2021-09-15. Review status: criteria provided, single submitter. Criteria: ACMG Guidelines, 2015. Collection method: clinical testing. Allele origin: unknown.

MGZ Medical Genetics Center
Classification: Uncertain significance for Catecholaminergic polymorphic ventricular tachycardia 1. Last evaluated: 2021-08-23. Review status: criteria provided, single submitter. Criteria: ACMG Guidelines, 2015. Collection method: clinical testing. Allele origin: germline. Affected: yes. Observed: 1 variant allele.
Comment: ACMG criteria applied: PM1, PP3

GeneDx
Classification: Uncertain significance. Last evaluated: 2014-04-22. Review status: criteria provided, single submitter. Criteria: GeneDx Variant Classification (06012015). Collection method: clinical testing. Allele origin: germline. Affected: yes.
Comment: p.Arg1921Trp (CGG>TGG): c.5761 C>T in exon 38 of the RYR2 gene (NM_001035.2). The R1921W variant has not been published as a mutation, nor has it been reported as a benign polymorphism to our knowledge. The R1921W variant was not observed in approximately 6,000 individuals of European and African American ancestry in the NHLBI Exome Sequencing Project, indicating it is not a common benign variant in these populations. The R1921W variant is a non-conservative amino acid substitution, which is likely to impact secondary protein structure as these residues differ in polarity, charge, size and/or other properties. This substitution occurs at a position that is conserved when present across species. In silico analysis predicts this variant is probably damaging to the protein structure/function. Nevertheless, no missense mutations in nearby residues have been reported in association with disease, suggesting this region of the protein may be tolerant of change. Therefore, based on the currently available information, it is unclear whether this variant is a pathogenic mutation or a rare benign variant. The variant is found in CARDIOMYOPATHY panel(s).

Literature cited by the submitters: PubMed 28404607 (cited by Ambry Genetics); PubMed 29453246 (cited by Ambry Genetics).